The following is an entry in ClinVar:

ClinVar aggregate classification (germline): Uncertain significance. Review status: criteria provided, multiple submitters, no conflicts (2 of 4 stars). 2 submissions from 2 submitters: Uncertain significance (2). Last evaluated 2025-10-18.

Conditions:
Inborn genetic diseases. Identifiers: MedGen C0950123, MeSH D030342.

gnomAD v4.1: 3 of 1,592,508 alleles (0.00019%); highest among the groups gnomAD compares: African/African-American, 0.0027%; no homozygotes.

Submissions (2):

Ambry Genetics
Classification: Uncertain significance for Inborn genetic diseases. Last evaluated: 2025-10-18. Review status: criteria provided, single submitter. Criteria: Ambry Variant Classification Scheme 2023. Collection method: clinical testing. Allele origin: germline.

GeneDx
Classification: Uncertain significance. Last evaluated: 2024-01-29. Review status: criteria provided, single submitter. Criteria: GeneDx Variant Classification Process June 2021. Collection method: clinical testing. Allele origin: germline. Affected: yes.
Comment: Has not been previously published as pathogenic or benign to our knowledge; Not observed at significant frequency in large population cohorts (gnomAD); In silico analysis supports that this missense variant has a deleterious effect on protein structure/function

NM_032108.4(SEMA6B):c.1499G>A (p.Ser500Asn)

Gene: SEMA6B (semaphorin 6B; minus strand). Cytogenetic location: 19p13.3.
Variant type: single nucleotide variant.
Coding change: c.1499G>A on transcript NM_032108.4 (MANE Select); coding-DNA position 1499, G replaced by A.
Protein change: p.Ser500Asn; replaces serine 500 with asparagine.
Molecular consequence: missense variant.
Genome position (GRCh38, 1-based): chr19:4,548,129, C>T on the plus strand (G>A on the coding strand, the complement: SEMA6B is on the minus strand). VCF-style: chr19-4548129-C-T. GRCh37 (hg19) VCF-style: chr19-4548141-C-T.
Other names: short protein forms S500N.
Identifiers: ClinVar variation 3368501 (VCV003368501.2).
Genomic context (GRCh38, chr19:4,548,129, plus strand): 5'-CGGACCACGCAGCGGGGGAAGGCAGCCAGCAGGCCCCCCGAAGCTGCGTCCAGCTCCAAG[C>T]TCAGCAGCCGCTGCCCTGTCTCGCCACCGCCGGGCCGTCCACACCTGGGGACAAGCAGAG-3'
Protein context (NP_115484.2, residues 490-510): GGGETGQRLL[Ser500Asn]LELDAASGGL